The following is an entry in ClinVar:

NM_138694.4(PKHD1):c.1817G>A (p.Arg606Gln)

Gene: PKHD1 (PKHD1 ciliary IPT domain containing fibrocystin/polyductin; minus strand). Cytogenetic location: 6p12.2.
Variant type: single nucleotide variant.
Coding change: c.1817G>A on transcript NM_138694.4 (MANE Select); coding-DNA position 1817, G replaced by A.
Protein change: p.Arg606Gln; replaces arginine 606 with glutamine.
Molecular consequence: missense variant.
Genome position (GRCh38, 1-based): chr6:52,055,606, C>T on the plus strand (G>A on the coding strand, the complement: PKHD1 is on the minus strand). VCF-style: chr6-52055606-C-T. GRCh37 (hg19) VCF-style: chr6-51920404-C-T.
Other names: c.1817G>A, p.Arg606Gln (NM_170724.3); c.1817G>A (NM_138694.3); short protein forms R606Q.
Identifiers: ClinVar variation 2153658 (VCV002153658.5), dbSNP rs761313487, ClinGen allele CA3853436.

ClinVar aggregate classification (germline): Uncertain significance. Review status: criteria provided, multiple submitters, no conflicts (2 of 4 stars). 3 submissions from 3 submitters: Uncertain significance (3). Last evaluated 2024-05-08.

Conditions:
Inborn genetic diseases. Identifiers: MedGen C0950123, MeSH D030342.
Autosomal recessive polycystic kidney disease (ARPKD). Also called: AR polycystic kidney disease. Identifiers: Orphanet 731, Orphanet 8378, MedGen C0085548, MeSH D017044, MONDO:0009889.

gnomAD v4.1: 166 of 1,613,870 alleles (0.01%); highest among the groups gnomAD compares: Non-Finnish European, 0.013%; no homozygotes.

Submissions (3):

Labcorp Genetics (formerly Invitae), Labcorp
Classification: Uncertain significance for Autosomal recessive polycystic kidney disease. Last evaluated: 2024-05-08. Review status: criteria provided, single submitter. Criteria: Invitae Variant Classification Sherloc (09022015). Collection method: clinical testing. Allele origin: germline.
Comment: This sequence change replaces arginine, which is basic and polar, with glutamine, which is neutral and polar, at codon 606 of the PKHD1 protein (p.Arg606Gln). This variant is present in population databases (rs761313487, gnomAD 0.007%). This variant has not been reported in the literature in individuals affected with PKHD1-related conditions. ClinVar contains an entry for this variant (Variation ID: 2153658). Advanced modeling of protein sequence and biophysical properties (such as structural, functional, and spatial information, amino acid conservation, physicochemical variation, residue mobility, and thermodynamic stability) performed at Invitae indicates that this missense variant is not expected to disrupt PKHD1 protein function with a negative predictive value of 95%. In summary, the available evidence is currently insufficient to determine the role of this variant in disease. Therefore, it has been classified as a Variant of Uncertain Significance.

Blueprint Genetics
Classification: Uncertain significance. Last evaluated: 2024-02-28. Review status: criteria provided, single submitter. Criteria: ACMG Guidelines, 2015. Collection method: clinical testing. Allele origin: germline.

Ambry Genetics
Classification: Uncertain significance for Inborn genetic diseases. Last evaluated: 2023-10-10. Review status: criteria provided, single submitter. Criteria: Ambry Variant Classification Scheme 2023. Collection method: clinical testing. Allele origin: germline.